The following is an entry in ClinVar:

NM_001378328.1(CELSR1):c.415T>C (p.Cys139Arg)

Gene: CELSR1 (cadherin EGF LAG seven-pass G-type receptor 1; minus strand). Cytogenetic location: 22q13.31.
Variant type: single nucleotide variant.
Coding change: c.415T>C on transcript NM_001378328.1 (MANE Select); coding-DNA position 415, T replaced by C.
Protein change: p.Cys139Arg; replaces cysteine 139 with arginine.
Molecular consequence: missense variant.
Genome position (GRCh38, 1-based): chr22:46,536,756, A>G on the plus strand (T>C on the coding strand, the complement: CELSR1 is on the minus strand). VCF-style: chr22-46536756-A-G. GRCh37 (hg19) VCF-style: chr22-46932653-A-G.
Other names: c.415T>C, p.Cys139Arg (NM_014246.4); short protein forms C139R.
Identifiers: ClinVar variation 2653347 (VCV002653347.24), dbSNP rs759467955, ClinGen allele CA10295671.

ClinVar aggregate classification (germline): Likely benign (1 of 4 stars; one submission).

Allele frequency attached by ClinVar (database versions not stated): 1000 Genomes Project 30x 0.00281; gnomAD 0.00442; TOPMed 0.00502.
gnomAD v4.1: 6,105 of 1,163,290 alleles (0.52%); highest among the groups gnomAD compares: Middle Eastern, 2.1%; 27 homozygotes.

Submission:

CeGaT Center for Human Genetics Tuebingen
Classification: Likely benign. Last evaluated: 2026-06-01. Review status: criteria provided, single submitter. Criteria: CeGaT Center For Human Genetics Tuebingen Variant Classification Criteria Version 2. Collection method: clinical testing. Allele origin: germline. Affected: yes. Observed: 6 variant alleles.
Comment: CELSR1: BS2